The following is an entry in ClinVar:

NM_000302.4(PLOD1):c.579+17G>A

Gene: PLOD1 (procollagen-lysine,2-oxoglutarate 5-dioxygenase 1; plus strand). Cytogenetic location: 1p36.22.
Variant type: single nucleotide variant.
Coding change: c.579+17G>A on transcript NM_000302.4 (MANE Select); 17 bases into the intron after coding-DNA position 579, G replaced by A.
Molecular consequence: intron variant.
Genome position (GRCh38, 1-based): chr1:11,952,752, G>A. VCF-style: chr1-11952752-G-A. GRCh37 (hg19) VCF-style: chr1-12012809-G-A.
Other names: c.720+17G>A (NM_001316320.2).
Identifiers: ClinVar variation 508185 (VCV000508185.15), dbSNP rs181015965, ClinGen allele CA597954.

ClinVar aggregate classification (germline): Likely benign. Review status: criteria provided, multiple submitters, no conflicts (2 of 4 stars). 6 submissions from 6 submitters: Likely benign (6). Last evaluated 2026-01-24.

Conditions:
Ehlers-Danlos syndrome, kyphoscoliotic type 1 (EDSKSCL1). Also called: Ehlers-Danlos syndrome, hydroxylysine-deficient; EHLERS-DANLOS SYNDROME, OCULAR-SCOLIOTIC TYPE; EHLERS-DANLOS SYNDROME, TYPE VIA; PLOD1-Related Kyphoscoliotic Ehlers-Danlos Syndrome. Identifiers: Orphanet 1900, MedGen C0268342, MONDO:0016002, OMIM 225400. Disease mechanism: loss of function.

Allele frequency attached by ClinVar (database versions not stated): gnomAD 0.00043 and 0.00049; TOPMed 0.00048; gnomAD exomes 0.00074; 1000 Genomes Project 0.00080; ESP Exome Variant Server 0.00046; 1000 Genomes Project 30x 0.00094.
gnomAD v4.1: 1,118 of 1,568,090 alleles (0.071%); highest among the groups gnomAD compares: Middle Eastern, 0.37%; 1 homozygote.

Submissions (6):

Labcorp Genetics (formerly Invitae), Labcorp
Classification: Likely benign for Ehlers-Danlos syndrome, kyphoscoliotic type 1. Last evaluated: 2026-01-24. Review status: criteria provided, single submitter. Criteria: Invitae Variant Classification Sherloc (09022015). Collection method: clinical testing. Allele origin: germline.

ARUP Laboratories, Molecular Genetics and Genomics, ARUP Laboratories
Classification: Likely benign for Ehlers-Danlos syndrome, kyphoscoliotic type 1. Last evaluated: 2025-04-16. Review status: criteria provided, single submitter. Criteria: ARUP Molecular Germline Variant Investigation Process 2024. Collection method: clinical testing. Allele origin: germline.

Blueprint Genetics
Classification: Likely benign. Last evaluated: 2024-11-15. Review status: criteria provided, single submitter. Criteria: ACMG Guidelines, 2015. Collection method: clinical testing. Allele origin: germline.

Women's Health and Genetics/Laboratory Corporation of America, LabCorp
Classification: Likely benign. Last evaluated: 2023-12-03. Review status: criteria provided, single submitter. Criteria: LabCorp Variant Classification Summary - May 2015. Collection method: clinical testing. Allele origin: germline.

Fulgent Genetics
Classification: Likely benign for Ehlers-Danlos syndrome, kyphoscoliotic type 1. Last evaluated: 2022-04-05. Review status: criteria provided, single submitter. Criteria: ACMG Guidelines, 2015. Collection method: clinical testing. Allele origin: unknown.

GeneDx
Classification: Likely benign. Last evaluated: 2017-11-21. Review status: criteria provided, single submitter. Criteria: GeneDx Variant Classification (06012015). Collection method: clinical testing. Allele origin: germline. Affected: yes.
Comment: This variant is considered likely benign or benign based on one or more of the following criteria: it is a conservative change, it occurs at a poorly conserved position in the protein, it is predicted to be benign by multiple in silico algorithms, and/or has population frequency not consistent with disease.